The following is an entry in ClinVar:

NM_001401501.2(MUC16):c.37413C>T (p.Gly12471=)

Gene: MUC16 (mucin 16, cell surface associated; minus strand). Cytogenetic location: 19p13.2.
Variant type: single nucleotide variant.
Coding change: c.37413C>T on transcript NM_001401501.2 (MANE Select); coding-DNA position 37413, C replaced by T.
Protein change: p.Gly12471=; no amino-acid change (glycine 12471 retained).
Molecular consequence: synonymous variant.
Genome position (GRCh38, 1-based): chr19:8,910,420, G>A on the plus strand (C>T on the coding strand, the complement: MUC16 is on the minus strand). VCF-style: chr19-8910420-G-A. GRCh37 (hg19) VCF-style: chr19-9021096-G-A.
Other names: c.37839C>T, p.Gly12613= (NM_001414686.1); c.37293C>T, p.Gly12431= (NM_001414687.1); c.37227C>T, p.Gly12409= (NM_024690.2).
Identifiers: ClinVar variation 3037949 (VCV003037949.2), dbSNP rs79920615, ClinGen allele CA9165327.
Genomic context (GRCh38, chr19:8,910,420, plus strand): 5'-AGTGGGTGGGGCTCTCACCAGACCCTGCAGGACCCTCTCTGTGGTGTTGAACTTCCTGGA[G>A]CCAGGGTGACCCATGTCCTCCCCATACTGCAGGTTGGTGATGGTGAAGTTGAGGGTGAAT-3'
Protein context (NP_001388430.1, residues 12461-12481): LQYGEDMGHP[Gly12471=]SRKFNTTERV

ClinVar aggregate classification (germline): Likely benign (0 of 4 stars; one submission).

Conditions:
MUC16-related disorder. Also called: MUC16-related condition.

Allele frequency attached by ClinVar (database versions not stated): ExAC 0.00001; 1000 Genomes Project 0.00020; 1000 Genomes Project 30x 0.03607.

Submission:

PreventionGenetics, part of Exact Sciences
Classification: Likely benign for MUC16-related condition. Last evaluated: 2019-10-28. Review status: no assertion criteria provided. Collection method: clinical testing. Allele origin: germline.
Comment: This variant is classified as likely benign based on ACMG/AMP sequence variant interpretation guidelines (Richards et al. 2015 PMID: 25741868, with internal and published modifications).